The following is an entry in ClinVar:

ClinVar aggregate classification (germline): Uncertain significance (1 of 4 stars; one submission).

Allele frequency attached by ClinVar (database versions not stated): gnomAD exomes 0.00001; ExAC 0.00002; gnomAD 0.00009; TOPMed 0.00009.
gnomAD v4.1: 30 of 1,614,018 alleles (0.0019%); highest among the groups gnomAD compares: African/African-American, 0.037%; no homozygotes.

Submission:

Labcorp Genetics (formerly Invitae), Labcorp
Classification: Uncertain significance. Last evaluated: 2022-05-09. Review status: criteria provided, single submitter. Criteria: Invitae Variant Classification Sherloc (09022015). Collection method: clinical testing. Allele origin: germline.
Comment: In summary, the available evidence is currently insufficient to determine the role of this variant in disease. Therefore, it has been classified as a Variant of Uncertain Significance. Algorithms developed to predict the effect of missense changes on protein structure and function output the following: SIFT: "Tolerated"; PolyPhen-2: "Benign"; Align-GVGD: "Class C0". The isoleucine amino acid residue is found in multiple mammalian species, which suggests that this missense change does not adversely affect protein function. This variant has not been reported in the literature in individuals affected with SLC17A8-related conditions. This variant is present in population databases (rs771602150, gnomAD 0.05%). This sequence change replaces valine, which is neutral and non-polar, with isoleucine, which is neutral and non-polar, at codon 111 of the SLC17A8 protein (p.Val111Ile).

NM_139319.3(SLC17A8):c.331G>A (p.Val111Ile)

Gene: SLC17A8 (solute carrier family 17 member 8; plus strand). Cytogenetic location: 12q23.1.
Variant type: single nucleotide variant.
Coding change: c.331G>A on transcript NM_139319.3 (MANE Select); coding-DNA position 331, G replaced by A.
Protein change: p.Val111Ile; replaces valine 111 with isoleucine.
Molecular consequence: missense variant.
Genome position (GRCh38, 1-based): chr12:100,380,930, G>A. VCF-style: chr12-100380930-G-A. GRCh37 (hg19) VCF-style: chr12-100774708-G-A.
Other names: c.331G>A, p.Val111Ile (NM_001145288.2); short protein forms V111I.
Identifiers: ClinVar variation 2193183 (VCV002193183.4), dbSNP rs771602150, ClinGen allele CA6738720.